The following is an entry in ClinVar:

NM_001267550.2(TTN):c.80547T>G (p.Tyr26849Ter)

Genes: TTN (titin; minus strand), TTN-AS1 (TTN antisense RNA 1; plus strand). Cytogenetic location: 2q31.2.
Variant type: single nucleotide variant.
Coding change: c.80547T>G on transcript NM_001267550.2 (MANE Select); coding-DNA position 80547, T replaced by G.
Protein change: p.Tyr26849Ter; replaces tyrosine 26849 with a stop codon.
Molecular consequence: nonsense.
Genome position (GRCh38, 1-based): chr2:178,565,585, A>C on the plus strand (T>G on the coding strand, the complement: TTN is on the minus strand). VCF-style: chr2-178565585-A-C. GRCh37 (hg19) VCF-style: chr2-179430312-A-C.
Other names: c.75624T>G, p.Tyr25208Ter (NM_001256850.1); c.53352T>G, p.Tyr17784Ter (NM_003319.4); c.72843T>G, p.Tyr24281Ter (NM_133378.4); c.53727T>G, p.Tyr17909Ter (NM_133432.3); c.53928T>G, p.Tyr17976Ter (NM_133437.4); short protein forms Y25208*, Y17784*, Y17909*, Y17976*, Y24281*, Y26849*.
Identifiers: ClinVar variation 656367 (VCV000656367.9), dbSNP rs1575673206, ClinGen allele CA349588316.
Genomic context (GRCh38, chr2:178,565,585, plus strand): 5'-AACACCCAACACTCTTGGATCGCTTTTTCCTTTCTCATTATAAGCCTTGACACGGAACTG[A>C]TATTCTTGTCCAGAACTCAAACCAGTAACAACTGCATTACAGACTTTGGATTCAGCCACA-3'

ClinVar aggregate classification (germline): Likely pathogenic (1 of 4 stars; one submission).

Conditions:
Dilated cardiomyopathy 1G (CMD1G). Identifiers: Orphanet 154, MedGen C1858763, MONDO:0011400, OMIM 604145.
Autosomal recessive limb-girdle muscular dystrophy type 2J (LGMDR10). Also called: Limb-girdle muscular dystrophy, type 2J; MUSCULAR DYSTROPHY, LIMB-GIRDLE, AUTOSOMAL RECESSIVE 10. Identifiers: Orphanet 140922, MedGen C1837342, MONDO:0012127, OMIM 608807.

Submission:

Labcorp Genetics (formerly Invitae), Labcorp
Classification: Likely pathogenic for Dilated cardiomyopathy 1G; Autosomal recessive limb-girdle muscular dystrophy type 2J. Last evaluated: 2024-08-06. Review status: criteria provided, single submitter. Criteria: Invitae Variant Classification Sherloc (09022015). Collection method: clinical testing. Allele origin: germline.
Comment: This sequence change creates a premature translational stop signal (p.Tyr26849*) in the TTN gene. While this is not anticipated to result in nonsense mediated decay, it is expected to create a truncated TTN protein. This variant is not present in population databases (gnomAD no frequency). This variant has not been reported in the literature in individuals affected with TTN-related conditions. ClinVar contains an entry for this variant (Variation ID: 656367). This variant is located in the A band of TTN (PMID: 25589632). Truncating variants in this region are significantly overrepresented in patients affected with dilated cardiomyopathy (PMID: 25589632). Truncating variants in this region have also been reported in individuals affected with autosomal recessive centronuclear myopathy (PMID: 23975875). In summary, the currently available evidence indicates that the variant is pathogenic, but additional data are needed to prove that conclusively. Therefore, this variant has been classified as Likely Pathogenic.

Literature cited by the submitters: PubMed 25589632; PubMed 23975875.